The following is an entry in ClinVar:

NM_002471.4(MYH6):c.1528A>G (p.Thr510Ala)

Gene: MYH6 (myosin heavy chain 6; minus strand). Cytogenetic location: 14q11.2.
Variant type: single nucleotide variant.
Coding change: c.1528A>G on transcript NM_002471.4 (MANE Select); coding-DNA position 1528, A replaced by G.
Protein change: p.Thr510Ala; replaces threonine 510 with alanine.
Molecular consequence: missense variant.
Genome position (GRCh38, 1-based): chr14:23,400,309, T>C on the plus strand (A>G on the coding strand, the complement: MYH6 is on the minus strand). VCF-style: chr14-23400309-T-C. GRCh37 (hg19) VCF-style: chr14-23869518-T-C.
Other names: short protein forms T510A.
Identifiers: ClinVar variation 835602 (VCV000835602.9), dbSNP rs1891559690, ClinGen allele CA389022465.

ClinVar aggregate classification (germline): Uncertain significance (1 of 4 stars; one submission).

Conditions:
Hypertrophic cardiomyopathy 14. Identifiers: MedGen C2750467, MONDO:0013197, OMIM 613251.

Submission:

Labcorp Genetics (formerly Invitae), Labcorp
Classification: Uncertain significance for Hypertrophic cardiomyopathy 14. Last evaluated: 2019-11-18. Review status: criteria provided, single submitter. Criteria: Invitae Variant Classification Sherloc (09022015). Collection method: clinical testing. Allele origin: germline.
Comment: In summary, the available evidence is currently insufficient to determine the role of this variant in disease. Therefore, it has been classified as a Variant of Uncertain Significance. Algorithms developed to predict the effect of missense changes on protein structure and function (SIFT, PolyPhen-2, Align-GVGD) all suggest that this variant is likely to be tolerated, but these predictions have not been confirmed by published functional studies and their clinical significance is uncertain. This sequence change replaces threonine with alanine at codon 510 of the MYH6 protein (p.Thr510Ala). The threonine residue is weakly conserved and there is a small physicochemical difference between threonine and alanine. This variant is not present in population databases (ExAC no frequency). This variant has not been reported in the literature in individuals with MYH6-related conditions.